The following is an entry in ClinVar:

ClinVar aggregate classification (germline): Benign. Review status: criteria provided, single submitter (1 of 4 stars). 3 submissions from 1 submitter: Benign (3). Last evaluated 2018-01-12.

Conditions:
Polydactyly. Also called: polydactylism. Identifiers: MedGen C0152427, MONDO:0021003, OMIM 603596, HP:0010442.
Pallister-Hall syndrome (PHS). Also called: HYPOTHALAMIC HAMARTOBLASTOMA, HYPOPITUITARISM, IMPERFORATE ANUS, AND POSTAXIAL POLYDACTYLY; GLI3-Related Pallister-Hall Syndrome. Identifiers: Orphanet 672, MedGen C0265220, MONDO:0007804, OMIM 146510.
Greig cephalopolysyndactyly syndrome (GCPS). Also called: POLYSYNDACTYLY WITH PECULIAR SKULL SHAPE; Greig syndrome; GLI3-Related Greig Cephalopolysyndactyly Syndrome. Identifiers: Orphanet 380, MedGen C0265306, MONDO:0008287, OMIM 175700.

Allele frequency attached by ClinVar (database versions not stated): 1000 Genomes Project 30x 0.01437; 1000 Genomes Project 0.01518; TOPMed 0.03202; gnomAD 0.03385 and 0.03453.

Submissions (3):

Illumina Laboratory Services, Illumina
Classification: Benign for Polydactyly. Last evaluated: 2018-01-12. Review status: criteria provided, single submitter. Criteria: ICSL Variant Classification Criteria 13 December 2019. Collection method: clinical testing. Allele origin: germline.
Comment: This variant was observed in the ICSL laboratory as part of a predisposition screen in an ostensibly healthy population. It had not been previously curated by ICSL or reported in the Human Gene Mutation Database (HGMD: prior to June 1st, 2018), and was therefore a candidate for classification through an automated scoring system. Utilizing variant allele frequency, disease prevalence and penetrance estimates, and inheritance mode, an automated score was calculated to assess if this variant is too frequent to cause the disease. Based on the score and internal cut-off values, a variant classified as benign is not then subjected to further curation. The score for this variant resulted in a classification of benign for this disease.

Illumina Laboratory Services, Illumina
Classification: Benign for Greig cephalopolysyndactyly syndrome. Last evaluated: 2018-01-12. Review status: criteria provided, single submitter. Criteria: ICSL Variant Classification Criteria 13 December 2019. Collection method: clinical testing. Allele origin: germline.
Comment: the same text as in the submission from Illumina Laboratory Services, Illumina above.

Illumina Laboratory Services, Illumina
Classification: Benign for Pallister-Hall syndrome. Last evaluated: 2018-01-12. Review status: criteria provided, single submitter. Criteria: ICSL Variant Classification Criteria 13 December 2019. Collection method: clinical testing. Allele origin: germline.
Comment: the same text as in the submission from Illumina Laboratory Services, Illumina above.

NM_000168.6(GLI3):c.*847C>A

Gene: GLI3 (GLI family zinc finger 3; minus strand). Cytogenetic location: 7p14.1.
Variant type: single nucleotide variant.
Coding change: c.*847C>A on transcript NM_000168.6 (MANE Select); 847 bases downstream of the stop codon, C replaced by A.
Molecular consequence: 3 prime UTR variant.
Genome position (GRCh38, 1-based): chr7:41,963,483, G>T on the plus strand (C>A on the coding strand, the complement: GLI3 is on the minus strand). VCF-style: chr7-41963483-G-T. GRCh37 (hg19) VCF-style: chr7-42003081-G-T.
Identifiers: ClinVar variation 360202 (VCV000360202.5), dbSNP rs116986447, ClinGen allele CA10629198.
Genomic context (GRCh38, chr7:41,963,483, plus strand): 5'-CAATTGCTTCAATCTACCATCTATCTAACTTCTTACCAGAACAGATAAAAGTAGCAATGT[G>T]GCTGAGTGTCACCAACTGTCCGTCCCTTCTCTCTAACTGCAGTGCGAAACAGCACTGAAT-3'